The following is an entry in ClinVar:

NM_020461.4(TUBGCP6):c.2453C>T (p.Pro818Leu)

Gene: TUBGCP6 (tubulin gamma complex component 6; minus strand). Cytogenetic location: 22q13.33.
Variant type: single nucleotide variant.
Coding change: c.2453C>T on transcript NM_020461.4 (MANE Select); coding-DNA position 2453, C replaced by T.
Protein change: p.Pro818Leu; replaces proline 818 with leucine.
Molecular consequence: missense variant.
Genome position (GRCh38, 1-based): chr22:50,222,059, G>A on the plus strand (C>T on the coding strand, the complement: TUBGCP6 is on the minus strand). VCF-style: chr22-50222059-G-A. GRCh37 (hg19) VCF-style: chr22-50660488-G-A.
Other names: short protein forms P818L.
Identifiers: ClinVar variation 1486871 (VCV001486871.5), dbSNP rs776742469, ClinGen allele CA10308219.

ClinVar aggregate classification (germline): Uncertain significance. Review status: criteria provided, multiple submitters, no conflicts (2 of 4 stars). 2 submissions from 2 submitters: Uncertain significance (2). Last evaluated 2024-05-13.

Allele frequency attached by ClinVar (database versions not stated): ExAC 0.00002; gnomAD exomes 0.00002 and 0.00003; gnomAD 0.00003; TOPMed 0.00003.
gnomAD v4.1: 44 of 1,613,724 alleles (0.0027%); highest among the groups gnomAD compares: Admixed American, 0.0067%; no homozygotes.

Submissions (2):

Blueprint Genetics
Classification: Uncertain significance. Last evaluated: 2024-05-13. Review status: criteria provided, single submitter. Criteria: ACMG Guidelines, 2015. Collection method: clinical testing. Allele origin: germline.

Labcorp Genetics (formerly Invitae), Labcorp
Classification: Uncertain significance. Last evaluated: 2023-05-23. Review status: criteria provided, single submitter. Criteria: Invitae Variant Classification Sherloc (09022015). Collection method: clinical testing. Allele origin: germline.
Comment: This sequence change replaces proline, which is neutral and non-polar, with leucine, which is neutral and non-polar, at codon 818 of the TUBGCP6 protein (p.Pro818Leu). This variant is present in population databases (rs776742469, gnomAD 0.006%). This variant has not been reported in the literature in individuals affected with TUBGCP6-related conditions. ClinVar contains an entry for this variant (Variation ID: 1486871). Algorithms developed to predict the effect of missense changes on protein structure and function output the following: SIFT: "Not Available"; PolyPhen-2: "Benign"; Align-GVGD: "Not Available". The leucine amino acid residue is found in multiple mammalian species, which suggests that this missense change does not adversely affect protein function. In summary, the available evidence is currently insufficient to determine the role of this variant in disease. Therefore, it has been classified as a Variant of Uncertain Significance.